The following is an entry in ClinVar:

NM_001271749.2(C5AR2):c.432G>A (p.Thr144=)

Gene: C5AR2 (complement C5a receptor 2; plus strand). Cytogenetic location: 19q13.32.
Variant type: single nucleotide variant.
Coding change: c.432G>A on transcript NM_001271749.2 (MANE Select); coding-DNA position 432, G replaced by A.
Protein change: p.Thr144=; no amino-acid change (threonine 144 retained).
Molecular consequence: synonymous variant.
Genome position (GRCh38, 1-based): chr19:47,341,231, G>A. VCF-style: chr19-47341231-G-A. GRCh37 (hg19) VCF-style: chr19-47844488-G-A.
Other names: c.432G>A, p.Thr144= (NM_001271750.2, NM_018485.3).
Identifiers: ClinVar variation 4988329 (VCV004988329.1).

ClinVar aggregate classification (germline): Likely benign (1 of 4 stars; one submission).

Conditions:
C5AR2-related condition.

gnomAD v4.1: 43 of 1,601,766 alleles (0.0027%); highest among the groups gnomAD compares: Middle Eastern, 0.033%; no homozygotes.

Submission:

PreventionGenetics, part of Exact Sciences
Classification: Likely benign for C5AR2-related condition. Last evaluated: 2026-08-28. Review status: criteria provided, single submitter. Criteria: ACMG Guidelines, 2015. Collection method: clinical testing. Allele origin: germline.
Comment: This variant is classified as likely benign based on ACMG/AMP sequence variant interpretation guidelines (Richards et al. 2015 PMID: 25741868, with internal and published modifications).